The following is an entry in ClinVar:

NM_002941.4(ROBO1):c.2314G>A (p.Glu772Lys)

Gene: ROBO1 (roundabout guidance receptor 1; minus strand). Cytogenetic location: 3p12.3.
Variant type: single nucleotide variant.
Coding change: c.2314G>A on transcript NM_002941.4 (MANE Select); coding-DNA position 2314, G replaced by A.
Protein change: p.Glu772Lys; replaces glutamic acid 772 with lysine.
Molecular consequence: missense variant.
Genome position (GRCh38, 1-based): chr3:78,661,036, C>T on the plus strand (G>A on the coding strand, the complement: ROBO1 is on the minus strand). VCF-style: chr3-78661036-C-T. GRCh37 (hg19) VCF-style: chr3-78710186-C-T.
Other names: c.2206G>A, p.Glu736Lys (NM_001145845.2, NM_133631.4); short protein forms E736K, E772K.
Identifiers: ClinVar variation 3383851 (VCV003383851.1).

ClinVar aggregate classification (germline): Uncertain significance (1 of 4 stars; one submission).

Submission:

GeneDx
Classification: Uncertain significance. Last evaluated: 2024-05-30. Review status: criteria provided, single submitter. Criteria: GeneDx Variant Classification Process June 2021. Collection method: clinical testing. Allele origin: germline. Affected: yes.
Comment: Not observed at significant frequency in large population cohorts (gnomAD); In silico analysis supports that this missense variant has a deleterious effect on protein structure/function; Has not been previously published as pathogenic or benign to our knowledge